The following is an entry in ClinVar:

NM_001012759.3(CTU2):c.1510C>G (p.Leu504Val)

Gene: CTU2 (cytosolic thiouridylase subunit 2; plus strand). Cytogenetic location: 16q24.3.
Variant type: single nucleotide variant.
Coding change: c.1510C>G on transcript NM_001012759.3 (MANE Select); coding-DNA position 1510, C replaced by G.
Protein change: p.Leu504Val; replaces leucine 504 with valine.
Molecular consequence: missense variant.
Genome position (GRCh38, 1-based): chr16:88,715,213, C>G. VCF-style: chr16-88715213-C-G. GRCh37 (hg19) VCF-style: chr16-88781621-C-G.
Other names: c.1451C>G, p.Ser484Cys (NM_001012762.3); c.1723C>G, p.Leu575Val (NM_001318507.2); c.1249C>G, p.Leu417Val (NM_001318513.2); short protein forms L417V, L504V, L575V, S484C.
Identifiers: ClinVar variation 1708280 (VCV001708280.2), dbSNP rs770524689, ClinGen allele CA8231239.
Genomic context (GRCh38, chr16:88,715,213, plus strand): 5'-GCTGGTGCCCACTGCAGCTTTCTCTCTAGGGCCTGGGGCTTGCAGGAGATCCGGGACTGT[C>G]TGATTGAGGACAGTGACGACGAGGCGGGCCAGAGCTGAGCGTGAGGACGTGCTTGCCGGG-3'
Protein context (NP_001012777.1, residues 494-514): AWGLQEIRDC[Leu504Val]IEDSDDEAGQ

ClinVar aggregate classification (germline): Uncertain significance (1 of 4 stars; one submission).

Allele frequency attached by ClinVar (database versions not stated): TOPMed 0.00002; gnomAD 0.00004; gnomAD exomes 0.00008; ExAC 0.00013.

Submission:

Centre of Medical Genetics, University Hospital Muenster
Classification: Uncertain significance. Last evaluated: 2021-12-15. Review status: criteria provided, single submitter. Criteria: ACMG Guidelines, 2015. Collection method: clinical testing. Allele origin: unknown. Affected: yes. Observed: 1 variant allele, 1 heterozygote.
Comment: ACMG categories: PM2